The following is an entry in ClinVar:

NM_001322934.2(NFKB2):c.2634G>C (p.Glu878Asp)

Gene: NFKB2 (nuclear factor kappa B subunit 2; plus strand). Cytogenetic location: 10q24.32.
Variant type: single nucleotide variant.
Coding change: c.2634G>C on transcript NM_001322934.2 (MANE Select); coding-DNA position 2634, G replaced by C.
Protein change: p.Glu878Asp; replaces glutamic acid 878 with aspartic acid.
Molecular consequence: missense variant.
Genome position (GRCh38, 1-based): chr10:102,402,307, G>C. VCF-style: chr10-102402307-G-C. GRCh37 (hg19) VCF-style: chr10-104162064-G-C.
Other names: c.2634G>C, p.Glu878Asp (NM_001077494.3); c.2631G>C, p.Glu877Asp (NM_001261403.3, NM_001288724.1, NM_002502.6); c.2508G>C, p.Glu836Asp (NM_001322935.1); short protein forms E836D, E877D, E878D.
Identifiers: ClinVar variation 4737518 (VCV004737518.2).

ClinVar aggregate classification (germline): Uncertain significance. Review status: criteria provided, multiple submitters, no conflicts (2 of 4 stars). 2 submissions from 2 submitters: Uncertain significance (2). Last evaluated 2025-08-07.

Conditions:
Immunodeficiency, common variable, 10. Also called: IMMUNODEFICIENCY, COMMON VARIABLE, WITH CENTRAL ADRENAL INSUFFICIENCY; DEFICIT IN ANTERIOR PITUITARY FUNCTION AND VARIABLE IMMUNODEFICIENCY. Identifiers: MedGen C3809991, MONDO:0014260, OMIM 615577.

Submissions (2):

Labcorp Genetics (formerly Invitae), Labcorp
Classification: Uncertain significance for Immunodeficiency, common variable, 10. Last evaluated: 2025-08-07. Review status: criteria provided, single submitter. Criteria: Invitae Variant Classification Sherloc (09022015). Collection method: clinical testing. Allele origin: germline.
Comment: This sequence change replaces glutamic acid, which is acidic and polar, with aspartic acid, which is acidic and polar, at codon 878 of the NFKB2 protein (p.Glu878Asp). This variant is not present in population databases (gnomAD no frequency). This variant has not been reported in the literature in individuals affected with NFKB2-related conditions. An algorithm developed to predict the effect of missense changes on protein structure and function (PolyPhen-2) suggests that this variant is likely to be tolerated. In summary, the available evidence is currently insufficient to determine the role of this variant in disease. Therefore, it has been classified as a Variant of Uncertain Significance.

Blueprint Genetics
Classification: Uncertain significance. Last evaluated: 2019-07-16. Review status: criteria provided, single submitter. Criteria: ACMG Guidelines, 2015. Collection method: clinical testing. Allele origin: germline.